The following is an entry in ClinVar:

ClinVar aggregate classification (germline): Uncertain significance. Review status: criteria provided, multiple submitters, no conflicts (2 of 4 stars). 2 submissions from 2 submitters: Uncertain significance (2). Last evaluated 2025-11-17.

Allele frequency attached by ClinVar (database versions not stated): gnomAD exomes below 0.00001; TOPMed 0.00002.
gnomAD v4.1: 2 of 1,535,412 alleles (0.00013%); highest among the groups gnomAD compares: Admixed American, 0.002%; no homozygotes.

Submissions (2):

Women's Health and Genetics/Laboratory Corporation of America, LabCorp
Classification: Uncertain significance. Last evaluated: 2025-11-17. Review status: criteria provided, single submitter. Criteria: LabCorp Variant Classification Summary - May 2015. Collection method: clinical testing. Allele origin: germline.
Comment: Variant summary: ZNF469 c.86A>C (p.His29Pro) results in a non-conservative amino acid change in the encoded protein sequence. Algorithms developed to predict the effect of missense changes on protein structure and function are either unavailable or do not agree on the potential impact of this missense change. The frequency data for this variant in gnomAD is considered unreliable, as metrics indicate poor data quality at this position. To our knowledge, no occurrence of c.86A>C in individuals affected with ZNF469-related conditions and no experimental evidence demonstrating its impact on protein function have been reported. ClinVar contains an entry for this variant (Variation ID: 1427921). Based on the evidence outlined above, the variant was classified as uncertain significance.

Labcorp Genetics (formerly Invitae), Labcorp
Classification: Uncertain significance. Last evaluated: 2021-11-27. Review status: criteria provided, single submitter. Criteria: Invitae Variant Classification Sherloc (09022015). Collection method: clinical testing. Allele origin: germline.
Comment: This sequence change replaces histidine, which is basic and polar, with proline, which is neutral and non-polar, at codon 29 of the ZNF469 protein (p.His29Pro). This variant is not present in population databases (gnomAD no frequency). This variant has not been reported in the literature in individuals affected with ZNF469-related conditions. Algorithms developed to predict the effect of missense changes on protein structure and function output the following: SIFT: "Tolerated"; PolyPhen-2: "Benign"; Align-GVGD: "Class C0". The proline amino acid residue is found in multiple mammalian species, which suggests that this missense change does not adversely affect protein function. In summary, the available evidence is currently insufficient to determine the role of this variant in disease. Therefore, it has been classified as a Variant of Uncertain Significance.

NM_001367624.2(ZNF469):c.86A>C (p.His29Pro)

Gene: ZNF469 (zinc finger protein 469; plus strand). Cytogenetic location: 16q24.2.
Variant type: single nucleotide variant.
Coding change: c.86A>C on transcript NM_001367624.2 (MANE Select); coding-DNA position 86, A replaced by C.
Protein change: p.His29Pro; replaces histidine 29 with proline.
Molecular consequence: missense variant.
Genome position (GRCh38, 1-based): chr16:88,427,556, A>C. VCF-style: chr16-88427556-A-C. GRCh37 (hg19) VCF-style: chr16-88493964-A-C.
Other names: short protein forms H29P.
Identifiers: ClinVar variation 1427921 (VCV001427921.4), dbSNP rs1210792145, ClinGen allele CA397057829.